The following is an entry in ClinVar:

NM_001162501.2(TNRC6B):c.4816A>G (p.Thr1606Ala)

Gene: TNRC6B (trinucleotide repeat containing adaptor 6B; plus strand). Cytogenetic location: 22q13.1.
Variant type: single nucleotide variant.
Coding change: c.4816A>G on transcript NM_001162501.2 (MANE Select); coding-DNA position 4816, A replaced by G.
Protein change: p.Thr1606Ala; replaces threonine 1606 with alanine.
Molecular consequence: missense variant.
Genome position (GRCh38, 1-based): chr22:40,315,420, A>G. VCF-style: chr22-40315420-A-G. GRCh37 (hg19) VCF-style: chr22-40711424-A-G.
Other names: c.2404A>G, p.Thr802Ala (NM_001024843.2); c.4486A>G, p.Thr1496Ala (NM_015088.3); short protein forms T1496A, T1606A, T802A.
Identifiers: ClinVar variation 3769098 (VCV003769098.2).
Genomic context (GRCh38, chr22:40,315,420, plus strand): 5'-TGGAAAAACCATATTTCCTCCAGGAACACTACACCGCTGCCCCGCCCACCTCCTGGTCTG[A>G]CCAACCCCAAACCATCATCTCCCTGGAGCAGCACAGCACCCCGATCAGTCAGGGGGTGGG-3'
Protein context (NP_001155973.1, residues 1596-1616): TPLPRPPPGL[Thr1606Ala]NPKPSSPWSS

ClinVar aggregate classification (germline): Uncertain significance (1 of 4 stars; one submission).

gnomAD v4.1: 1 of 1,613,952 alleles (0.000062%); no homozygotes.

Submission:

Women's Health and Genetics/Laboratory Corporation of America, LabCorp
Classification: Uncertain significance. Last evaluated: 2025-01-31. Review status: criteria provided, single submitter. Criteria: LabCorp Variant Classification Summary - May 2015. Collection method: clinical testing. Allele origin: germline.
Comment: Variant summary: TNRC6B c.4816A>G (p.Thr1606Ala) results in a non-conservative amino acid change located in the TNRC6-PABC binding domain (IPR032226) of the encoded protein sequence. Three of five in-silico tools predict a damaging effect of the variant on protein function. The variant was absent in 249210 control chromosomes. The available data on variant occurrences in the general population are insufficient to allow any conclusion about variant significance. To our knowledge, no occurrence of c.4816A>G in individuals affected with Global Developmental Delay With Speech And Behavioral Abnormalities and no experimental evidence demonstrating its impact on protein function have been reported. No submitters have cited clinical-significance assessments for this variant to ClinVar. Based on the evidence outlined above, the variant was classified as uncertain significance.